The following is an entry in ClinVar:

ClinVar aggregate classification (germline): Uncertain significance. Review status: criteria provided, multiple submitters, no conflicts (2 of 4 stars). 2 submissions from 2 submitters: Uncertain significance (2). Last evaluated 2026-07-10.

Conditions:
Inborn genetic diseases. Identifiers: MedGen C0950123, MeSH D030342.

Submissions (2):

Ambry Genetics
Classification: Uncertain significance for Inborn genetic diseases. Last evaluated: 2026-07-10. Review status: criteria provided, single submitter. Criteria: Ambry Variant Classification Scheme 2023. Collection method: clinical testing. Allele origin: germline.
Comment: The c.1494_1502delCCACCACCA (p.H502_H504del) alteration is located in exon 8 (coding exon 8) of the CACNA1G gene. This alteration consists of an in-frame deletion of 9 nucleotides between nucleotide positions c.1494 and c.1502, resulting in the deletion of 3 amino acids. This variant was not reported in population-based cohorts in the Genome Aggregation Database (gnomAD). Based on insufficient or conflicting evidence, the clinical significance of this alteration remains unclear.

Labcorp Genetics (formerly Invitae), Labcorp
Classification: Uncertain significance. Last evaluated: 2024-12-05. Review status: criteria provided, single submitter. Criteria: Invitae Variant Classification Sherloc (09022015). Collection method: clinical testing. Allele origin: germline.
Comment: This variant, c.1494_1502del, results in the deletion of 3 amino acid(s) of the CACNA1G protein (p.His502_His504del), but otherwise preserves the integrity of the reading frame. This variant is not present in population databases (gnomAD no frequency). This variant has not been reported in the literature in individuals affected with CACNA1G-related conditions. Experimental studies and prediction algorithms are not available or were not evaluated, and the functional significance of this variant is currently unknown. In summary, the available evidence is currently insufficient to determine the role of this variant in disease. Therefore, it has been classified as a Variant of Uncertain Significance.

NM_018896.5(CACNA1G):c.1488CCA[2] (p.His502_His504del)

Gene: CACNA1G (calcium voltage-gated channel subunit alpha1 G; plus strand). Cytogenetic location: 17q21.33.
Variant type: Microsatellite.
Coding change: c.1488CCA[2] on transcript NM_018896.5 (MANE Select); two copies in a row of the 3-base unit CCA starting at c.1488; the reference has five copies in a row; three copies, 9 bases deleted.
Protein change: p.His502_His504del.
Molecular consequence: non-coding transcript variant (on NR_046054.2).
Genome position (GRCh38, 1-based): chr17:50,575,896-50,575,904, CCACCACCA deleted; deleting any 9 consecutive bases within chr17:50,575,888-50,575,904 gives the same sequence; the position shown is the placement nearest the transcript's 3' end. VCF-style (leftmost placement, unchanged base first): chr17-50575887-GCACCACCAC-G. GRCh37 (hg19) VCF-style: chr17-48653248-GCACCACCAC-G.
Other names: c.1494_1502delCCACCACCA (NM_018896.3); c.1488CCA[2], p.His502_His504del (NM_001256330.2, NM_001256331.2, NM_001256332.2 and 24 more transcripts).
Identifiers: ClinVar variation 3684914 (VCV003684914.3).